The following is an entry in ClinVar:

ClinVar aggregate classification (germline): Uncertain significance (1 of 4 stars; one submission).

Submission:

Labcorp Genetics (formerly Invitae), Labcorp
Classification: Uncertain significance. Last evaluated: 2024-02-20. Review status: criteria provided, single submitter. Criteria: Invitae Variant Classification Sherloc (09022015). Collection method: clinical testing. Allele origin: germline.
Comment: This sequence change replaces aspartic acid, which is acidic and polar, with glycine, which is neutral and non-polar, at codon 3140 of the HMCN1 protein (p.Asp3140Gly). This variant is not present in population databases (gnomAD no frequency). This variant has not been reported in the literature in individuals affected with HMCN1-related conditions. ClinVar contains an entry for this variant (Variation ID: 2059182). An algorithm developed to predict the effect of missense changes on protein structure and function (PolyPhen-2) suggests that this variant is likely to be disruptive. In summary, the available evidence is currently insufficient to determine the role of this variant in disease. Therefore, it has been classified as a Variant of Uncertain Significance.

NM_031935.3(HMCN1):c.9419A>G (p.Asp3140Gly)

Gene: HMCN1 (hemicentin 1; plus strand). Cytogenetic location: 1q31.1.
Variant type: single nucleotide variant.
Coding change: c.9419A>G on transcript NM_031935.3 (MANE Select); coding-DNA position 9419, A replaced by G.
Protein change: p.Asp3140Gly; replaces aspartic acid 3140 with glycine.
Molecular consequence: missense variant.
Genome position (GRCh38, 1-based): chr1:186,087,987, A>G. VCF-style: chr1-186087987-A-G. GRCh37 (hg19) VCF-style: chr1-186057119-A-G.
Other names: short protein forms D3140G.
Identifiers: ClinVar variation 2059182 (VCV002059182.4), dbSNP rs2527897859, ClinGen allele CA343920918.